The following is an entry in ClinVar:

NM_000082.3(ERCC8):c.78_79del

Gene: ERCC8 (ERCC excision repair 8, CSA ubiquitin ligase complex subunit; minus strand). Cytogenetic location: 5q12.1.
Variant type: Microsatellite.
Coding change: c.78_79del on transcript NM_000082.3; coding-DNA positions 78 to 79, 2 bases deleted (AG; older notation c.78_79delAG).
Genome position (GRCh38, 1-based): chr5:60,928,958-60,928,959, CT deleted on the plus strand (AG on the coding strand, the reverse complement: ERCC8 is on the minus strand); deleting any 2 consecutive bases within chr5:60,928,958-60,928,961 gives the same sequence; the c. name uses the placement nearest the transcript's 3' end. VCF-style (leftmost placement, unchanged base first): chr5-60928957-ACT-A. GRCh37 (hg19) VCF-style: chr5-60224784-ACT-A.
Identifiers: ClinVar variation 1074993 (VCV001074993.8), dbSNP rs2112532350, ClinGen allele CA2580613563.

ClinVar aggregate classification (germline): Pathogenic/Likely pathogenic. Review status: criteria provided, multiple submitters, no conflicts (2 of 4 stars). 2 submissions from 2 submitters: Pathogenic (1); Likely pathogenic (1). Last evaluated 2023-07-17.

Submissions (2):

Revvity Omics, Revvity
Classification: Likely pathogenic. Last evaluated: 2023-07-17. Review status: criteria provided, single submitter. Criteria: ACMG Guidelines, 2015. Collection method: clinical testing. Allele origin: germline.

Labcorp Genetics (formerly Invitae), Labcorp
Classification: Pathogenic. Last evaluated: 2020-01-30. Review status: criteria provided, single submitter. Criteria: Invitae Variant Classification Sherloc (09022015). Collection method: clinical testing. Allele origin: germline.
Comment: For these reasons, this variant has been classified as Pathogenic. Loss-of-function variants in ERCC8 are known to be pathogenic (PMID: 19894250, 21108394). This variant has not been reported in the literature in individuals with ERCC8-related conditions. This variant is not present in population databases (ExAC no frequency). This sequence change creates a premature translational stop signal (p.Arg26Serfs*8) in the ERCC8 gene. It is expected to result in an absent or disrupted protein product.

Literature cited by the submitters: PubMed 19894250 (cited by Labcorp Genetics (formerly Invitae), Labcorp); PubMed 21108394 (cited by Labcorp Genetics (formerly Invitae), Labcorp).